The following is an entry in ClinVar:

NM_001127222.2(CACNA1A):c.1106G>A (p.Arg369Gln)

Gene: CACNA1A (calcium voltage-gated channel subunit alpha1 A; minus strand). Cytogenetic location: 19p13.13.
Variant type: single nucleotide variant.
Coding change: c.1106G>A on transcript NM_001127222.2 (MANE Select); coding-DNA position 1106, G replaced by A.
Protein change: p.Arg369Gln; replaces arginine 369 with glutamine.
Molecular consequence: missense variant.
Genome position (GRCh38, 1-based): chr19:13,334,470, C>T on the plus strand (G>A on the coding strand, the complement: CACNA1A is on the minus strand). VCF-style: chr19-13334470-C-T. GRCh37 (hg19) VCF-style: chr19-13445284-C-T.
Other names: c.1106G>A, p.Arg369Gln (NM_000068.4, NM_001127221.2, NM_001174080.2 and 1 more transcripts); short protein forms R369Q.
Identifiers: ClinVar variation 1805685 (VCV001805685.4), dbSNP rs2513049253, ClinGen allele CA404346593.

ClinVar aggregate classification (germline): Uncertain significance. Review status: criteria provided, multiple submitters, no conflicts (2 of 4 stars). 3 submissions from 3 submitters: Uncertain significance (3). Last evaluated 2024-02-14.

Conditions:
Episodic ataxia type 2 (EA2). Also called: ATAXIA, EPISODIC, WITH NYSTAGMUS; ATAXIA, FAMILIAL PAROXYSMAL; CEREBELLAR ATAXIA, PAROXYSMAL, ACETAZOLAMIDE-RESPONSIVE; CEREBELLOPATHY, HEREDITARY PAROXYSMAL; EPISODIC ATAXIA, NYSTAGMUS-ASSOCIATED; ACETAZOLAMIDE-RESPONSIVE HEREDITARY PAROXYSMAL CEREBELLAR ATAXIA. Identifiers: Orphanet 97, MedGen C1720416, MONDO:0007163, OMIM 108500.
Developmental and epileptic encephalopathy, 42 (DEE42A). Also called: DEVELOPMENTAL AND EPILEPTIC ENCEPHALOPATHY 42A; EPILEPTIC ENCEPHALOPATHY, EARLY INFANTILE, 42A; Epileptic encephalopathy, early infantile, 42. Identifiers: MedGen C4310716, MONDO:0014917, OMIM 617106.

Submissions (3):

Labcorp Genetics (formerly Invitae), Labcorp
Classification: Uncertain significance for Developmental and epileptic encephalopathy, 42; Episodic ataxia type 2. Last evaluated: 2024-02-14. Review status: criteria provided, single submitter. Criteria: Invitae Variant Classification Sherloc (09022015). Collection method: clinical testing. Allele origin: germline.
Comment: This sequence change replaces arginine, which is basic and polar, with glutamine, which is neutral and polar, at codon 369 of the CACNA1A protein (p.Arg369Gln). This variant is not present in population databases (gnomAD no frequency). This variant has not been reported in the literature in individuals affected with CACNA1A-related conditions. ClinVar contains an entry for this variant (Variation ID: 1805685). Advanced modeling of protein sequence and biophysical properties (such as structural, functional, and spatial information, amino acid conservation, physicochemical variation, residue mobility, and thermodynamic stability) performed at Invitae indicates that this missense variant is expected to disrupt CACNA1A protein function with a positive predictive value of 95%. In summary, the available evidence is currently insufficient to determine the role of this variant in disease. Therefore, it has been classified as a Variant of Uncertain Significance.

GeneDx
Classification: Uncertain significance. Last evaluated: 2023-08-06. Review status: criteria provided, single submitter. Criteria: GeneDx Variant Classification Process June 2021. Collection method: clinical testing. Allele origin: germline. Affected: yes.
Comment: Not observed at significant frequency in large population cohorts (gnomAD); In silico analysis supports that this missense variant has a deleterious effect on protein structure/function; Has not been previously published as pathogenic or benign to our knowledge

Victorian Clinical Genetics Services, Murdoch Childrens Research Institute
Classification: Uncertain significance for Developmental and epileptic encephalopathy, 42. Last evaluated: 2019-08-28. Review status: criteria provided, single submitter. Criteria: ACMG Guidelines, 2015. Collection method: clinical testing. Allele origin: germline. Inheritance: Autosomal dominant inheritance.
Comment: A heterozygous missense variant was identified, NM_001127221.1(CACNA1A):c.1106G>A in exon 8 of 47 of the CACNA1A gene. This substitution is predicted to create a minor amino acid change from argnine to glutamine at position 369 of the protein, NP_001120693.1(CACNA1A):p.(Arg369Gln). The arginine at this position has high conservation (100 vertebrates, UCSC), and is located within the ion transport functional domain. In silico software predicts this variant to be disease causing (Polyphen, SIFT, CADD, Mutation Taster). The variant is not present in the gnomAD population database. The variant has not been previously reported in a clinical testing setting. Based on information available at the time of curation, this variant has been classified as a VARIANT of UNCERTAIN SIGNIFICANCE (VUS).